The following is an entry in ClinVar:

ClinVar aggregate classification (germline): Uncertain significance (1 of 4 stars; one submission).

Allele frequency attached by ClinVar (database versions not stated): TOPMed below 0.00001.

Submission:

Labcorp Genetics (formerly Invitae), Labcorp
Classification: Uncertain significance. Last evaluated: 2022-05-03. Review status: criteria provided, single submitter. Criteria: Invitae Variant Classification Sherloc (09022015). Collection method: clinical testing. Allele origin: germline.
Comment: In summary, the available evidence is currently insufficient to determine the role of this variant in disease. Therefore, it has been classified as a Variant of Uncertain Significance. Algorithms developed to predict the effect of sequence changes on RNA splicing suggest that this variant may disrupt the consensus splice site. This variant has not been reported in the literature in individuals affected with UPB1-related conditions. This variant is not present in population databases (gnomAD no frequency). This sequence change affects codon 230 of the UPB1 mRNA. It is a 'silent' change, meaning that it does not change the encoded amino acid sequence of the UPB1 protein.

NM_016327.3(UPB1):c.690G>A (p.Val230=)

Gene: UPB1 (beta-ureidopropionase 1; plus strand). Cytogenetic location: 22q11.23.
Variant type: single nucleotide variant.
Coding change: c.690G>A on transcript NM_016327.3 (MANE Select); coding-DNA position 690, G replaced by A.
Protein change: p.Val230=; no amino-acid change (valine 230 retained).
Molecular consequence: synonymous variant.
Genome position (GRCh38, 1-based): chr22:24,515,269, G>A. VCF-style: chr22-24515269-G-A. GRCh37 (hg19) VCF-style: chr22-24911237-G-A.
Identifiers: ClinVar variation 2118402 (VCV002118402.4), dbSNP rs2044273030, ClinGen allele CA513833930.